The following is an entry in ClinVar:

ClinVar aggregate classification (germline): Conflicting classifications of pathogenicity. Review status: criteria provided, conflicting classifications (1 of 4 stars). 11 submissions from 11 submitters: Pathogenic (6); Likely pathogenic (3); Uncertain significance (1). 1 of the submissions does not count toward it. Last evaluated 2025-11-24.

Conditions:
Medium-chain acyl-coenzyme A dehydrogenase deficiency (ACADMD). Also called: CARNITINE DEFICIENCY SECONDARY TO MEDIUM-CHAIN ACYL-CoA DEHYDROGENASE DEFICIENCY; ACADM DEFICIENCY; MCADH DEFICIENCY; Medium chain acyl-CoA dehydrogenase deficiency; MCAD Deficiency; MCADD. Identifiers: Orphanet 42, MedGen C0220710, MONDO:0008721, OMIM 201450.

Allele frequency attached by ClinVar (database versions not stated): gnomAD exomes 0.00002 and 0.00004; gnomAD 0.00003; ExAC 0.00004; TOPMed 0.00006.

Submissions (11):

Natera, Inc.
Classification: Pathogenic for Medium Chain Acyl-CoA Dehydrogenase Deficiency. Last evaluated: 2025-11-24. Review status: criteria provided, single submitter. Criteria: Natera Variant Classification Schema (03/2026). Collection method: clinical testing. Allele origin: germline.
Comment: The c.928G>A variant in ACADM is a missense variant predicted to cause substitution of glycine to arginine at amino acid 310. This variant is rare in the general population with a frequency below the threshold expected for the associated phenotype(s). This variant has been observed in one or more individuals affected with the associated recessive disease, as either homozygous or compound heterozygous with a second variant (PMID: 36840705, 22630369, 20434380, 18241067). Computational prediction algorithms indicate this variant is likely to affect gene or protein function. Given the available evidence, this variant is classified as Pathogenic.

Labcorp Genetics (formerly Invitae), Labcorp
Classification: Pathogenic for Medium-chain acyl-coenzyme A dehydrogenase deficiency. Last evaluated: 2025-10-11. Review status: criteria provided, single submitter. Criteria: Invitae Variant Classification Sherloc (09022015). Collection method: clinical testing. Allele origin: germline.
Comment: This sequence change replaces glycine, which is neutral and non-polar, with arginine, which is basic and polar, at codon 310 of the ACADM protein (p.Gly310Arg). This variant is present in population databases (rs747268471, gnomAD 0.004%). This missense change has been observed in individual(s) with MCAD deficiency (PMID: 11349232, 18241067, 20434380, 23509891). In at least one individual the data is consistent with being in trans (on the opposite chromosome) from a pathogenic variant. ClinVar contains an entry for this variant (Variation ID: 193539). Invitae Evidence Modeling of protein sequence and biophysical properties (such as structural, functional, and spatial information, amino acid conservation, physicochemical variation, residue mobility, and thermodynamic stability) indicates that this missense variant is expected to disrupt ACADM protein function with a positive predictive value of 80%. For these reasons, this variant has been classified as Pathogenic.

Dasa
Classification: Pathogenic. Last evaluated: 2025-07-20. Review status: criteria provided, single submitter. Criteria: DASA Assertion Criteria. Collection method: clinical testing. Allele origin: germline.
Comment: NM_000016.6(ACADM):c.928G>A (p.Gly310Arg) is a missense variant that results in the substitution of glycine with arginine. Functional evidence supports a deleterious effect on the gene or gene product (PMID: 20434380; PMID: 11349232; PMID: 18241067; PMID: 23509891). This variant has been recurrently observed in individuals with related phenotype (PMID: 20434380; PMID: 11349232; PMID: 18241067; PMID: 23509891). Multiple computational predictions support a deleterious effect on the gene or gene product. The variant is present at low frequency in population datasets. Based on the available data, this variant is classified as pathogenic.

Revvity Omics, Revvity
Classification: Likely pathogenic for Medium-chain acyl-coenzyme A dehydrogenase deficiency. Last evaluated: 2024-08-28. Review status: criteria provided, single submitter. Criteria: ACMG Guidelines, 2015. Collection method: clinical testing. Allele origin: germline.

Baylor Genetics
Classification: Pathogenic for Medium-chain acyl-coenzyme A dehydrogenase deficiency. Last evaluated: 2024-02-07. Review status: criteria provided, single submitter. Criteria: ACMG Guidelines, 2015. Collection method: clinical testing. Allele origin: unknown.

Myriad Genetics, Inc.
Classification: Likely pathogenic for Medium-chain acyl-coenzyme A dehydrogenase deficiency. Last evaluated: 2021-10-27. Review status: criteria provided, single submitter. Criteria: Myriad Women's Health Autosomal Recessive and X-Linked Classification Criteria (2021). Collection method: clinical testing. Allele origin: unknown.
Comment: NM_000016.4(ACADM):c.928G>A(G310R) is a missense variant classified as likely pathogenic in the context of medium chain acyl-CoA dehydrogenase deficiency. G310R has been observed in cases with relevant disease (PMID: 22630369, 20434380, 18241067, 27477829, 11349232). Functional assessments of this variant are available in the literature (PMID: 11349232). G310R has been observed in population frequency databases (gnomAD: AFR 0.01%). In summary, NM_000016.4(ACADM):c.928G>A(G310R) is a missense variant that has been observed more frequently in cases with the relevant disease than in healthy populations. Please note: this variant was assessed in the context of healthy population screening.

Women's Health and Genetics/Laboratory Corporation of America, LabCorp
Classification: Likely pathogenic for Medium-chain acyl-coenzyme A dehydrogenase deficiency. Last evaluated: 2017-11-20. Review status: criteria provided, single submitter. Criteria: LabCorp Variant Classification Summary - May 2015. Collection method: clinical testing. Allele origin: germline.
Comment: Variant summary: The ACADM c.928G>A (p.Gly310Arg) variant involves the alteration of a highly conserved nucleotide. The variant is located within the conserved Acyl-CoA dehydrogenase/oxidase C-terminal domain (InterPro) and 5/5 in silico tools predict a damaging outcome for this variant. These predictions were confirmed by functional studies, where G310R was shown to be defective and unstable due to compromised folding (Andresen_ 2001). This variant was found in 6/275998 control chromosomes in gnomAD at a frequency of 0.000021, which does not exceed the estimated maximal expected allele frequency of a pathogenic ACADM variant (0.0054006). The variant was identified in several affected individuals with biochemical profiles suggestive of an intermediate MCAD phenotype (Andresen_ 2001, Smith_2010, Touw_2013, Nichols_2008). The variant has been reported with conflicting interpretations of pathogenicity (VUS/Pathogenic) by different clinical diagnostic laboratories/reputable databases. Taken together, this variant is classified as Likely Pathogenic.

ARUP Laboratories, Molecular Genetics and Genomics, ARUP Laboratories
Classification: Pathogenic for Medium-chain acyl-coenzyme A dehydrogenase deficiency. Last evaluated: 2015-02-20. Review status: criteria provided, single submitter. Criteria: ACMG Guidelines, 2015. Collection method: clinical testing. Allele origin: germline. Inheritance: Autosomal recessive inheritance. Observed: 3 heterozygotes.

Eurofins Ntd Llc (ga)
Classification: Uncertain significance. Last evaluated: 2014-10-31. Review status: criteria provided, single submitter. Criteria: EGL Classification Definitions 2015. Collection method: clinical testing. Allele origin: germline. Observed: 2 variant alleles, 2 heterozygotes.

Juno Genomics, Hangzhou Juno Genomics, Inc
Classification: Pathogenic for Medium-chain acyl-coenzyme A dehydrogenase deficiency. Review status: criteria provided, single submitter. Criteria: ACMG Guidelines, 2015. Collection method: clinical testing. Allele origin: germline.
Comment: Absent from controls (or at extremely low frequency if recessive) in Genome Aggregation Database.;Multiple lines of computational evidence support a deleterious effect on the gene or gene product.;For recessive disorders, detected in trans with a pathogenic variant.

Undiagnosed Diseases Network, NIH
Classification: Pathogenic for Medium-chain acyl-coenzyme A dehydrogenase deficiency. Last evaluated: 2020-04-30. Review status: no assertion criteria provided. Collection method: clinical testing. Allele origin: maternal. Affected: yes. Observed: 1 variant allele, 1 compound heterozygote. Study: Undiagnosed Diseases Network (NIH), UDN. Not counted in ClinVar's aggregate classification.

Literature cited by the submitters: PubMed 36840705 (cited by Natera, Inc.); PubMed 22630369 (cited by 3 submitters); PubMed 20434380 (cited by 5 submitters); PubMed 18241067 (cited by 5 submitters); PubMed 11349232 (cited by 6 submitters); PubMed 23509891 (cited by 4 submitters); PubMed 27477829 (cited by Myriad Genetics, Inc.); PubMed 25525159 (cited by Undiagnosed Diseases Network, NIH).

NM_000016.6(ACADM):c.928G>A (p.Gly310Arg)

Gene: ACADM (acyl-CoA dehydrogenase medium chain; plus strand). Cytogenetic location: 1p31.1.
Variant type: single nucleotide variant.
Coding change: c.928G>A on transcript NM_000016.6 (MANE Select); coding-DNA position 928, G replaced by A.
Protein change: p.Gly310Arg; replaces glycine 310 with arginine.
Molecular consequence: missense variant.
Genome position (GRCh38, 1-based): chr1:75,750,529, G>A. VCF-style: chr1-75750529-G-A. GRCh37 (hg19) VCF-style: chr1-76216214-G-A.
Other names: p.G310R; c.940G>A, p.Gly314Arg (NM_001127328.3); c.820G>A, p.Gly274Arg (NM_001286042.2); c.1027G>A, p.Gly343Arg (NM_001286043.2); c.361G>A, p.Gly121Arg (NM_001286044.2); short protein forms G314R, G310R, G121R, G274R, G343R.
Identifiers: ClinVar variation 193539 (VCV000193539.36), dbSNP rs747268471, ClinGen allele CA274925.